The following is an entry in ClinVar:

NM_000059.4(BRCA2):c.7678T>C (p.Phe2560Leu)

Gene: BRCA2 (BRCA2 DNA repair associated; plus strand). Cytogenetic location: 13q13.1.
Variant type: single nucleotide variant.
Coding change: c.7678T>C on transcript NM_000059.4 (MANE Select); coding-DNA position 7678, T replaced by C.
Protein change: p.Phe2560Leu; replaces phenylalanine 2560 with leucine.
Molecular consequence: missense variant.
Genome position (GRCh38, 1-based): chr13:32,357,802, T>C. VCF-style: chr13-32357802-T-C. GRCh37 (hg19) VCF-style: chr13-32931939-T-C.
Other names: short protein forms F2560L.
Identifiers: ClinVar variation 948419 (VCV000948419.11), dbSNP rs2072709084, ClinGen allele CA387745107.
Genomic context (GRCh38, chr13:32,357,802, plus strand): 5'-CTGTATACGTATGGCGTTTCTAAACATTGCATAAAAATTAACAGCAAAAATGCAGAGTCT[T>C]TTCAGTTTCACACTGAAGATTATTTTGGTAAGGAAAGTTTATGGACTGGAAAAGGAATAC-3'
Protein context (NP_000050.3, residues 2550-2570): IKINSKNAES[Phe2560Leu]QFHTEDYFGK

ClinVar aggregate classification (germline): Uncertain significance. Review status: criteria provided, multiple submitters, no conflicts (2 of 4 stars). 2 submissions from 2 submitters: Uncertain significance (2). Last evaluated 2024-06-06.

Conditions:
Hereditary breast ovarian cancer syndrome. Also called: Hereditary breast and/or ovarian cancer syndrome; Hereditary breast and ovarian cancer syndrome; Hereditary breast and ovarian cancer syndrome (HBOC); Breast and ovarian cancer; BRCA1- and BRCA2-Associated Hereditary Breast and Ovarian Cancer; Hereditary breast and ovarian cancer. Identifiers: Orphanet 145, MedGen C0677776, MeSH D061325, MONDO:0003582. Disease mechanism: loss of function.
Hereditary cancer-predisposing syndrome. Also called: Hereditary neoplastic syndrome; Neoplastic Syndromes, Hereditary; Tumor predisposition; Hereditary Cancer Syndrome. Identifiers: Orphanet 140162, MedGen C0027672, MeSH D009386, MONDO:0015356.

Submissions (2):

Ambry Genetics
Classification: Uncertain significance for Hereditary cancer-predisposing syndrome. Last evaluated: 2024-06-06. Review status: criteria provided, single submitter. Criteria: Ambry Variant Classification Scheme 2023. Collection method: clinical testing. Allele origin: germline.
Comment: The p.F2560L variant (also known as c.7678T>C), located in coding exon 15 of the BRCA2 gene, results from a T to C substitution at nucleotide position 7678. The phenylalanine at codon 2560 is replaced by leucine, an amino acid with highly similar properties. This amino acid position is highly conserved in available vertebrate species. In addition, this alteration is predicted to be deleterious by in silico analysis. Based on the available evidence, the clinical significance of this variant remains unclear.

Labcorp Genetics (formerly Invitae), Labcorp
Classification: Uncertain significance for Hereditary breast ovarian cancer syndrome. Last evaluated: 2019-05-02. Review status: criteria provided, single submitter. Criteria: Invitae Variant Classification Sherloc (09022015). Collection method: clinical testing. Allele origin: germline.
Comment: In summary, the available evidence is currently insufficient to determine the role of this variant in disease. Therefore, it has been classified as a Variant of Uncertain Significance. Algorithms developed to predict the effect of missense changes on protein structure and function are either unavailable or do not agree on the potential impact of this missense change (SIFT: "Deleterious"; PolyPhen-2: "Probably Damaging"; Align-GVGD: "Class C0"). This variant has not been reported in the literature in individuals with BRCA2-related conditions. This variant is not present in population databases (ExAC no frequency). This sequence change replaces phenylalanine with leucine at codon 2560 of the BRCA2 protein (p.Phe2560Leu). The phenylalanine residue is highly conserved and there is a small physicochemical difference between phenylalanine and leucine.